The following is an entry in ClinVar:

NM_022124.6(CDH23):c.832+8A>G

Gene: CDH23 (cadherin related 23; plus strand). Cytogenetic location: 10q22.1.
Variant type: single nucleotide variant.
Coding change: c.832+8A>G on transcript NM_022124.6 (MANE Select); 8 bases into the intron after coding-DNA position 832, A replaced by G.
Molecular consequence: intron variant.
Genome position (GRCh38, 1-based): chr10:71,578,000, A>G. VCF-style: chr10-71578000-A-G. GRCh37 (hg19) VCF-style: chr10-73337757-A-G.
Other names: c.832+8A>G (NM_001171930.2, NM_001171931.2, NM_052836.4 and 1 more transcripts).
Identifiers: ClinVar variation 506537 (VCV000506537.19), dbSNP rs56129333, ClinGen allele CA5543561.

ClinVar aggregate classification (germline): Likely benign. Review status: criteria provided, multiple submitters, no conflicts (2 of 4 stars). 7 submissions from 7 submitters: Likely benign (5). 2 of the submissions do not count toward it. Last evaluated 2026-02-04.

Conditions:
CDH23-related disorder. Also called: CDH23-related condition; CDH23-related disorders.
Pituitary adenoma 5, multiple types. Identifiers: MedGen C4539685, MONDO:0054601, OMIM 617540.
Autosomal recessive nonsyndromic hearing loss 12. Also called: DEAFNESS, AUTOSOMAL RECESSIVE 12. Identifiers: Orphanet 90636, MedGen C1832394, MONDO:0011067, OMIM 601386.
Usher syndrome type 1D (USH1D). Also called: USHER SYNDROME, TYPE ID. Identifiers: Orphanet 231169, Orphanet 886, MedGen C1832845, MONDO:0010984, OMIM 601067.

Allele frequency attached by ClinVar (database versions not stated): 1000 Genomes Project 30x 0.00031; gnomAD exomes 0.00032 and 0.00067; ESP Exome Variant Server 0.00040; TOPMed 0.00040; ExAC 0.00042; gnomAD 0.00046 and 0.00048.
gnomAD v4.1: 1,012 of 1,588,880 alleles (0.064%); highest among the groups gnomAD compares: Non-Finnish European, 0.084%; no homozygotes.

Submissions (7):

Labcorp Genetics (formerly Invitae), Labcorp
Classification: Likely benign. Last evaluated: 2026-02-04. Review status: criteria provided, single submitter. Criteria: Invitae Variant Classification Sherloc (09022015). Collection method: clinical testing. Allele origin: germline.

PreventionGenetics, part of Exact Sciences
Classification: Likely benign for CDH23-related condition. Last evaluated: 2026-01-20. Review status: criteria provided, single submitter. Criteria: ACMG Guidelines, 2015. Collection method: clinical testing. Allele origin: germline.
Comment: This variant is classified as likely benign based on ACMG/AMP sequence variant interpretation guidelines (Richards et al. 2015 PMID: 25741868, with internal and published modifications).

Blueprint Genetics
Classification: Likely benign. Last evaluated: 2024-10-04. Review status: criteria provided, single submitter. Criteria: ACMG Guidelines, 2015. Collection method: clinical testing. Allele origin: germline.

Fulgent Genetics
Classification: Likely benign for Usher syndrome type 1D; Autosomal recessive nonsyndromic hearing loss 12; Pituitary adenoma 5, multiple types. Last evaluated: 2021-09-01. Review status: criteria provided, single submitter. Criteria: ACMG Guidelines, 2015. Collection method: clinical testing. Allele origin: unknown.

GeneDx
Classification: Likely benign. Last evaluated: 2018-12-10. Review status: criteria provided, single submitter. Criteria: GeneDx Variant Classification Process June 2021. Collection method: clinical testing. Allele origin: germline. Affected: yes.

Clinical Genetics DNA and cytogenetics Diagnostics Lab, Erasmus MC, Erasmus Medical Center
Classification: Likely benign. Review status: no assertion criteria provided. Collection method: clinical testing. Allele origin: germline. Affected: yes. Study: VKGL Data-share Consensus. Not counted in ClinVar's aggregate classification.

Laboratory of Diagnostic Genome Analysis, Leiden University Medical Center (LUMC)
Classification: Likely benign. Review status: no assertion criteria provided. Collection method: clinical testing. Allele origin: germline. Affected: yes. Study: VKGL Data-share Consensus. Not counted in ClinVar's aggregate classification.